The following is an entry in ClinVar:

NM_001374623.1(PNPLA1):c.1073T>C (p.Leu358Pro)

Gene: PNPLA1 (patatin like domain 1, omega-hydroxyceramide transacylase; plus strand). Cytogenetic location: 6p21.31.
Variant type: single nucleotide variant.
Coding change: c.1073T>C on transcript NM_001374623.1 (MANE Select); coding-DNA position 1073, T replaced by C.
Protein change: p.Leu358Pro; replaces leucine 358 with proline.
Molecular consequence: missense variant.
Genome position (GRCh38, 1-based): chr6:36,302,158, T>C. VCF-style: chr6-36302158-T-C. GRCh37 (hg19) VCF-style: chr6-36269935-T-C.
Other names: c.815T>C, p.Leu272Pro (NM_001145716.2); c.1073T>C, p.Leu358Pro (NM_001145717.1); c.788T>C, p.Leu263Pro (NM_173676.2); short protein forms L263P, L272P, L358P.
Identifiers: ClinVar variation 3672110 (VCV003672110.2).

ClinVar aggregate classification (germline): Uncertain significance. Review status: criteria provided, multiple submitters, no conflicts (2 of 4 stars). 2 submissions from 2 submitters: Uncertain significance (2). Last evaluated 2025-08-04.

Conditions:
Inborn genetic diseases. Identifiers: MedGen C0950123, MeSH D030342.

gnomAD v4.1: 44 of 1,614,250 alleles (0.0027%); highest among the groups gnomAD compares: Admixed American, 0.058%; 1 homozygote.

Submissions (2):

Ambry Genetics
Classification: Uncertain significance for Inborn genetic diseases. Last evaluated: 2025-08-04. Review status: criteria provided, single submitter. Criteria: Ambry Variant Classification Scheme 2023. Collection method: clinical testing. Allele origin: germline.

Labcorp Genetics (formerly Invitae), Labcorp
Classification: Uncertain significance. Last evaluated: 2024-05-01. Review status: criteria provided, single submitter. Criteria: Invitae Variant Classification Sherloc (09022015). Collection method: clinical testing. Allele origin: germline.
Comment: This sequence change replaces leucine, which is neutral and non-polar, with proline, which is neutral and non-polar, at codon 358 of the PNPLA1 protein (p.Leu358Pro). This variant is present in population databases (rs202194175, gnomAD 0.009%). This variant has not been reported in the literature in individuals affected with PNPLA1-related conditions. Algorithms developed to predict the effect of missense changes on protein structure and function output the following: SIFT: "Not Available"; PolyPhen-2: "Benign"; Align-GVGD: "Not Available". The proline amino acid residue is found in multiple mammalian species, which suggests that this missense change does not adversely affect protein function. In summary, the available evidence is currently insufficient to determine the role of this variant in disease. Therefore, it has been classified as a Variant of Uncertain Significance.